The following is an entry in ClinVar:

ClinVar aggregate classification (germline): Pathogenic/Likely pathogenic. Review status: criteria provided, multiple submitters, no conflicts (2 of 4 stars). 3 submissions from 3 submitters: Pathogenic (1); Likely pathogenic (1). 1 of the submissions does not count toward it. Last evaluated 2018-10-21.

Conditions:
Bardet-Biedl syndrome (BBS). Identifiers: Orphanet 110, MedGen C0752166, MONDO:0015229.

Allele frequency attached by ClinVar (database versions not stated): gnomAD exomes below 0.00001.
gnomAD v4.1: 2 of 1,612,488 alleles (0.00012%); highest among the groups gnomAD compares: South Asian, 0.0011%; no homozygotes.

Submissions (3):

Labcorp Genetics (formerly Invitae), Labcorp
Classification: Likely pathogenic for Bardet-Biedl syndrome. Last evaluated: 2018-10-21. Review status: criteria provided, single submitter. Criteria: Invitae Variant Classification Sherloc (09022015). Collection method: clinical testing. Allele origin: germline.
Comment: This variant is not present in population databases (ExAC no frequency). This sequence change affects a donor splice site in intron 13 of the BBS4 gene. It is expected to disrupt RNA splicing and likely results in an absent or disrupted protein product. This variant has been observed in a deceased fetus with bilateral enlarged cystic kidneys (PMID: 28425981). ClinVar contains an entry for this variant (Variation ID: 280217). In summary, the currently available evidence indicates that the variant is pathogenic, but additional data are needed to prove that conclusively. Therefore, this variant has been classified as Likely Pathogenic. Donor and acceptor splice site variants typically lead to a loss of protein function (PMID: 16199547), and loss-of-function variants in BBS4 are known to be pathogenic (PMID: 11381270).

GeneDx
Classification: Pathogenic. Last evaluated: 2018-01-26. Review status: criteria provided, single submitter. Criteria: GeneDx Variant Classification (06012015). Collection method: clinical testing. Allele origin: germline. Affected: yes.
Comment: The c.1106+2T>A pathogenic variant in the BBS4 gene has not been reported previously as a pathogenic variant nor as a benign variant, to our knowledge. This splice site variant destroys the canonical splice donor site in intron 13. It is predicted to cause abnormal gene splicing, either leading to an abnormal message that is subject to nonsense-mediated mRNA decay, or to an abnormal protein product if the message is used for protein translation. The c.1106+2T>A variant was not observed in approximately 6,500 individuals of European and African American ancestry in the NHLBI Exome Sequencing Project, indicating it is not a common benign variant in these populations. We interpret c.1106+2T>A as a pathogenic variant.

Department of Clinical Genetics, Copenhagen University Hospital, Rigshospitalet
Classification: Likely pathogenic for Bardet-Biedl syndrome. Last evaluated: 2018-04-01. Review status: no assertion criteria provided. Collection method: research. Allele origin: unknown. Affected: yes. Study: VeluxRD. Not counted in ClinVar's aggregate classification.

Literature cited by the submitters: PubMed 28425981 (cited by Labcorp Genetics (formerly Invitae), Labcorp); PubMed 16199547 (cited by Labcorp Genetics (formerly Invitae), Labcorp); PubMed 11381270 (cited by Labcorp Genetics (formerly Invitae), Labcorp); PubMed 30718709 (cited by Department of Clinical Genetics, Copenhagen University Hospital, Rigshospitalet).

NM_033028.5(BBS4):c.1106+2T>A

Gene: BBS4 (Bardet-Biedl syndrome 4; plus strand). Cytogenetic location: 15q24.1.
Variant type: single nucleotide variant.
Coding change: c.1106+2T>A on transcript NM_033028.5 (MANE Select); the canonical splice donor site of the intron after coding-DNA position 1106, T replaced by A.
Molecular consequence: splice donor variant.
Genome position (GRCh38, 1-based): chr15:72,735,184, T>A. VCF-style: chr15-72735184-T-A. GRCh37 (hg19) VCF-style: chr15-73027525-T-A.
Other names: c.1037+2T>A (NM_001320665.2); c.590+2T>A (NM_001252678.2).
Identifiers: ClinVar variation 280217 (VCV000280217.9), dbSNP rs886041464, ClinGen allele CA10603266.